The following is an entry in ClinVar:

NM_001112741.2(KCNC1):c.1690_1691del (p.Lys564fs)

Gene: KCNC1 (potassium voltage-gated channel subfamily C member 1; plus strand). Cytogenetic location: 11p15.1.
Variant type: Deletion.
Coding change: c.1690_1691del on transcript NM_001112741.2 (MANE Select); coding-DNA positions 1690 to 1691, 2 bases deleted (AA; older notation c.1690_1691delAA).
Protein change: p.Lys564fs; shifts the reading frame from lysine 564.
Molecular consequence: frameshift variant.
Genome position (GRCh38, 1-based): chr11:17,779,641-17,779,642, AA deleted; deleting any 2 consecutive bases within chr11:17,779,640-17,779,642 gives the same sequence; the c. name uses the placement nearest the transcript's 3' end. VCF-style (leftmost placement, unchanged base first): chr11-17779639-GAA-G. GRCh37 (hg19) VCF-style: chr11-17801186-GAA-G.
Other names: short protein forms K564fs.
Identifiers: ClinVar variation 2572211 (VCV002572211.1), dbSNP rs1849324967, ClinGen allele CA1955304676.

ClinVar aggregate classification (germline): Uncertain significance (1 of 4 stars; one submission).

Submission:

Greenwood Genetic Center Diagnostic Laboratories, Greenwood Genetic Center
Classification: Uncertain significance. Last evaluated: 2023-05-12. Review status: criteria provided, single submitter. Criteria: ACMG Guidelines, 2015. Collection method: clinical testing. Allele origin: germline. Affected: yes.
Comment: PM2